The following is an entry in ClinVar:

ClinVar aggregate classification (germline): Uncertain significance (1 of 4 stars; one submission).

Allele frequency attached by ClinVar (database versions not stated): gnomAD exomes 0.00001.
gnomAD v4.1: 5 of 1,612,532 alleles (0.00031%); highest among the groups gnomAD compares: Non-Finnish European, 0.00042%; no homozygotes.

Submission:

Labcorp Genetics (formerly Invitae), Labcorp
Classification: Uncertain significance. Last evaluated: 2022-08-24. Review status: criteria provided, single submitter. Criteria: Invitae Variant Classification Sherloc (09022015). Collection method: clinical testing. Allele origin: germline.
Comment: In summary, the available evidence is currently insufficient to determine the role of this variant in disease. Therefore, it has been classified as a Variant of Uncertain Significance. Advanced modeling of protein sequence and biophysical properties (such as structural, functional, and spatial information, amino acid conservation, physicochemical variation, residue mobility, and thermodynamic stability) performed at Invitae indicates that this missense variant is not expected to disrupt COL11A1 protein function. This variant has not been reported in the literature in individuals affected with COL11A1-related conditions. This variant is not present in population databases (gnomAD no frequency). This sequence change replaces methionine, which is neutral and non-polar, with threonine, which is neutral and polar, at codon 453 of the COL11A1 protein (p.Met453Thr).

NM_001854.4(COL11A1):c.1358T>C (p.Met453Thr)

Gene: COL11A1 (collagen type XI alpha 1 chain; minus strand). Cytogenetic location: 1p21.1.
Variant type: single nucleotide variant.
Coding change: c.1358T>C on transcript NM_001854.4 (MANE Select); coding-DNA position 1358, T replaced by C.
Protein change: p.Met453Thr; replaces methionine 453 with threonine.
Molecular consequence: missense variant. On other transcripts: non-coding transcript variant (1).
Genome position (GRCh38, 1-based): chr1:103,017,875, A>G on the plus strand (T>C on the coding strand, the complement: COL11A1 is on the minus strand). VCF-style: chr1-103017875-A-G. GRCh37 (hg19) VCF-style: chr1-103483431-A-G.
Other names: c.1010T>C, p.Met337Thr (NM_001168249.1, NM_080630.4); c.1241T>C, p.Met414Thr (NM_001190709.2); c.1394T>C, p.Met465Thr (NM_080629.3); short protein forms M337T, M414T, M453T, M465T.
Identifiers: ClinVar variation 1717984 (VCV001717984.5), dbSNP rs2525524273, ClinGen allele CA341179720.